The following is an entry in ClinVar:

NM_001378457.1(DMXL2):c.8218C>T (p.Arg2740Cys)

Gene: DMXL2 (Dmx like 2; minus strand). Cytogenetic location: 15q21.2.
Variant type: single nucleotide variant.
Coding change: c.8218C>T on transcript NM_001378457.1 (MANE Select); coding-DNA position 8218, C replaced by T.
Protein change: p.Arg2740Cys; replaces arginine 2740 with cysteine.
Molecular consequence: missense variant. On other transcripts: non-coding transcript variant (2).
Genome position (GRCh38, 1-based): chr15:51,457,447, G>A on the plus strand (C>T on the coding strand, the complement: DMXL2 is on the minus strand). VCF-style: chr15-51457447-G-A. GRCh37 (hg19) VCF-style: chr15-51749644-G-A.
Other names: c.8155C>T, p.Arg2719Cys (NM_001174116.3); c.6244C>T, p.Arg2082Cys (NM_001174117.3); c.8215C>T, p.Arg2739Cys (NM_001378458.1); c.7930C>T, p.Arg2644Cys (NM_001378459.1); c.6133C>T, p.Arg2045Cys (NM_001378460.1); c.8152C>T, p.Arg2718Cys (NM_015263.5); short protein forms R2082C, R2644C, R2739C, R2045C, R2718C, R2719C, R2740C.
Identifiers: ClinVar variation 3502821 (VCV003502821.2).

ClinVar aggregate classification (germline): Uncertain significance. Review status: criteria provided, multiple submitters, no conflicts (2 of 4 stars). 2 submissions from 2 submitters: Uncertain significance (2). Last evaluated 2024-09-11.

Conditions:
Inborn genetic diseases. Identifiers: MedGen C0950123, MeSH D030342.

gnomAD v4.1: 12 of 1,614,100 alleles (0.00074%); highest among the groups gnomAD compares: Middle Eastern, 0.016%; no homozygotes.

Submissions (2):

Ambry Genetics
Classification: Uncertain significance for Inborn genetic diseases. Last evaluated: 2024-09-11. Review status: criteria provided, single submitter. Criteria: Ambry Variant Classification Scheme 2023. Collection method: clinical testing. Allele origin: germline.

Labcorp Genetics (formerly Invitae), Labcorp
Classification: Uncertain significance. Last evaluated: 2024-08-10. Review status: criteria provided, single submitter. Criteria: Invitae Variant Classification Sherloc (09022015). Collection method: clinical testing. Allele origin: germline.
Comment: This sequence change replaces arginine, which is basic and polar, with cysteine, which is neutral and slightly polar, at codon 2719 of the DMXL2 protein (p.Arg2719Cys). This variant is present in population databases (rs758537533, gnomAD 0.003%). This variant has not been reported in the literature in individuals affected with DMXL2-related conditions. An algorithm developed to predict the effect of missense changes on protein structure and function (PolyPhen-2) suggests that this variant is likely to be disruptive. Algorithms developed to predict the effect of sequence changes on RNA splicing suggest that this variant may disrupt the consensus splice site. In summary, the available evidence is currently insufficient to determine the role of this variant in disease. Therefore, it has been classified as a Variant of Uncertain Significance.